The following is an entry in ClinVar:

ClinVar aggregate classification (germline): Benign/Likely benign. Review status: criteria provided, multiple submitters, no conflicts (2 of 4 stars). 4 submissions from 4 submitters: Benign (1); Likely benign (3). Last evaluated 2024-04-18.

Conditions:
Hereditary cancer-predisposing syndrome. Also called: Neoplastic Syndromes, Hereditary; Tumor predisposition; Hereditary Cancer Syndrome; Hereditary neoplastic syndrome. Identifiers: Orphanet 140162, MedGen C0027672, MeSH D009386, MONDO:0015356.
Ataxia-telangiectasia syndrome (AT). Also called: ATAXIA-TELANGIECTASIA, COMPLEMENTATION GROUP A; ATAXIA-TELANGIECTASIA, FRESNO VARIANT; Ataxia-telangiectasia; Ataxia-telangiectasia, complementation group D; AT, COMPLEMENTATION GROUP C; Ataxia-telangiectasia, complementation group E. Identifiers: Orphanet 100, MedGen C0004135, MONDO:0008840, OMIM 208900.
Familial cancer of breast. Also called: hereditary breast carcinoma; BREAST CANCER, FAMILIAL; Hereditary breast cancer. Identifiers: Orphanet 227535, MedGen C0346153, MONDO:0016419, OMIM 114480. Disease mechanism: loss of function.

gnomAD v4.1: 1 of 1,613,112 alleles (0.000062%); highest among the groups gnomAD compares: Non-Finnish European, 0.000085%; no homozygotes.

Submissions (4):

Myriad Genetics, Inc.
Classification: Benign for Familial cancer of breast. Last evaluated: 2024-04-18. Review status: criteria provided, single submitter. Criteria: Myriad Autosomal Dominant, Autosomal Recessive and X-Linked Classification Criteria (2023). Collection method: clinical testing. Allele origin: unknown.
Comment: This variant is considered benign. This variant is a silent/synonymous amino acid change and it is not expected to impact splicing.

Labcorp Genetics (formerly Invitae), Labcorp
Classification: Likely benign for Ataxia-telangiectasia syndrome. Last evaluated: 2024-02-19. Review status: criteria provided, single submitter. Criteria: Invitae Variant Classification Sherloc (09022015). Collection method: clinical testing. Allele origin: germline.

Ambry Genetics
Classification: Likely benign for Hereditary cancer-predisposing syndrome. Last evaluated: 2017-11-06. Review status: criteria provided, single submitter. Criteria: Ambry Variant Classification Scheme 2023. Collection method: clinical testing. Allele origin: germline.

Color Diagnostics, LLC DBA Color Health
Classification: Likely benign for Hereditary cancer-predisposing syndrome. Last evaluated: 2017-04-04. Review status: criteria provided, single submitter. Criteria: ACMG Guidelines, 2015. Collection method: clinical testing. Allele origin: germline.

NM_000051.4(ATM):c.210A>G (p.Lys70=)

Gene: ATM (ATM serine/threonine kinase; plus strand). Cytogenetic location: 11q22.3.
Variant type: single nucleotide variant.
Coding change: c.210A>G on transcript NM_000051.4 (MANE Select); coding-DNA position 210, A replaced by G.
Protein change: p.Lys70=; no amino-acid change (lysine 70 retained).
Molecular consequence: synonymous variant.
Genome position (GRCh38, 1-based): chr11:108,229,202, A>G. VCF-style: chr11-108229202-A-G. GRCh37 (hg19) VCF-style: chr11-108099929-A-G.
Other names: c.210A>G, p.Lys70= (NM_001351834.2, NM_001351835.2, NM_001351836.2).
Identifiers: ClinVar variation 524434 (VCV000524434.13), dbSNP rs1064793030, ClinGen allele CA476668224.